The following is an entry in ClinVar:

ClinVar aggregate classification (germline): Conflicting classifications of pathogenicity. Review status: criteria provided, conflicting classifications (1 of 4 stars). 7 submissions from 7 submitters: Uncertain significance (4); Likely benign (2). 1 of the submissions does not count toward it. Last evaluated 2025-06-13.

Conditions:
Osteogenesis imperfecta type 7 (OI7). Also called: OSTEOGENESIS IMPERFECTA, TYPE IIB; Osteogenesis imperfecta type 2B; OI type 2B; Osteogenesis imperfecta, perinatal lethal autosomal recessive; OI type IIB; OI type 7. Identifiers: MedGen C1853162, MONDO:0012536, OMIM 610682.

Allele frequency attached by ClinVar (database versions not stated): gnomAD 0.00076 and 0.00080; TOPMed 0.00077; ExAC 0.00134; 1000 Genomes Project 30x 0.00031; 1000 Genomes Project 0.00040; gnomAD exomes 0.00072.
gnomAD v4.1: 1,728 of 1,602,936 alleles (0.11%); highest among the groups gnomAD compares: Non-Finnish European, 0.13%; 2 homozygotes.

Submissions (7):

ARUP Laboratories, Molecular Genetics and Genomics, ARUP Laboratories
Classification: Uncertain significance for Osteogenesis imperfecta type 7. Last evaluated: 2025-06-13. Review status: criteria provided, single submitter. Criteria: ARUP Molecular Germline Variant Investigation Process 2024. Collection method: clinical testing. Allele origin: germline.
Comment: The CRTAP c.446A>G; p.Lys149Arg variant (rs201564256), to our knowledge, is not reported in the medical literature but is reported in ClinVar (Variation ID: 344807). This variant is found in the general population with an overall allele frequency of 0.07411% (184/248268 alleles, including 0 homozygotes) in the Genome Aggregation Database (v2.1.1). Computational analyses predict that this variant is neutral (REVEL: 0.082). Due to limited information, the clinical significance of this variant is uncertain at this time.

GeneDx
Classification: Uncertain significance. Last evaluated: 2025-05-02. Review status: criteria provided, single submitter. Criteria: GeneDx Variant Classification Process June 2021. Collection method: clinical testing. Allele origin: germline. Affected: yes.
Comment: In silico analysis suggests that this missense variant does not alter protein structure/function; Has not been previously published as pathogenic or benign to our knowledge

Women's Health and Genetics/Laboratory Corporation of America, LabCorp
Classification: Likely benign. Last evaluated: 2025-04-03. Review status: criteria provided, single submitter. Criteria: LabCorp Variant Classification Summary - May 2015. Collection method: clinical testing. Allele origin: germline.
Comment: Variant summary: CRTAP c.446A>G (p.Lys149Arg) results in a conservative amino acid change located in the Leprecan-like alpha-helical domain (IPR056585) of the encoded protein sequence. Four of five in-silico tools predict a benign effect of the variant on protein function. The variant allele was found at a frequency of 0.00072 in 216928 control chromosomes, predominantly at a frequency of 0.0013 within the Non-Finnish European subpopulation in the gnomAD database. The observed variant frequency within Non-Finnish European control individuals in the gnomAD database is approximately 1.16 fold of the estimated maximal expected allele frequency for a pathogenic variant in CRTAP causing Osteogenesis Imperfecta phenotype (0.0011). To our knowledge, no occurrence of c.446A>G in individuals affected with Osteogenesis Imperfecta and no experimental evidence demonstrating its impact on protein function have been reported. ClinVar contains an entry for this variant (Variation ID: 344807). Based on the evidence outlined above, the variant was classified as likely benign.

Labcorp Genetics (formerly Invitae), Labcorp
Classification: Uncertain significance for Osteogenesis imperfecta type 7. Last evaluated: 2025-01-29. Review status: criteria provided, single submitter. Criteria: Invitae Variant Classification Sherloc (09022015). Collection method: clinical testing. Allele origin: germline.
Comment: This sequence change replaces lysine, which is basic and polar, with arginine, which is basic and polar, at codon 149 of the CRTAP protein (p.Lys149Arg). This variant is present in population databases (rs201564256, gnomAD 0.1%), and has an allele count higher than expected for a pathogenic variant. This variant has not been reported in the literature in individuals affected with CRTAP-related conditions. ClinVar contains an entry for this variant (Variation ID: 344807). Invitae Evidence Modeling of protein sequence and biophysical properties (such as structural, functional, and spatial information, amino acid conservation, physicochemical variation, residue mobility, and thermodynamic stability) indicates that this missense variant is not expected to disrupt CRTAP protein function with a negative predictive value of 80%. In summary, the available evidence is currently insufficient to determine the role of this variant in disease. Therefore, it has been classified as a Variant of Uncertain Significance.

Blueprint Genetics
Classification: Likely benign. Last evaluated: 2024-11-06. Review status: criteria provided, single submitter. Criteria: ACMG Guidelines, 2015. Collection method: clinical testing. Allele origin: germline.

Illumina Laboratory Services, Illumina
Classification: Uncertain significance for Osteogenesis imperfecta type 7. Last evaluated: 2018-01-13. Review status: criteria provided, single submitter. Criteria: ICSL Variant Classification Criteria 13 December 2019. Collection method: clinical testing. Allele origin: germline.

Department of Pathology and Laboratory Medicine, Sinai Health System
Classification: Uncertain significance. Review status: no assertion criteria provided. Collection method: clinical testing. Allele origin: unknown. Affected: yes. Study: The Canadian Open Genetics Repository (COGR). Not counted in ClinVar's aggregate classification.

NM_006371.5(CRTAP):c.446A>G (p.Lys149Arg)

Gene: CRTAP (cartilage associated protein; plus strand). Cytogenetic location: 3p22.3.
Variant type: single nucleotide variant.
Coding change: c.446A>G on transcript NM_006371.5 (MANE Select); coding-DNA position 446, A replaced by G.
Protein change: p.Lys149Arg; replaces lysine 149 with arginine.
Molecular consequence: missense variant.
Genome position (GRCh38, 1-based): chr3:33,114,523, A>G. VCF-style: chr3-33114523-A-G. GRCh37 (hg19) VCF-style: chr3-33156015-A-G.
Other names: c.446A>G, p.Lys149Arg (NM_001393363.1, NM_001393364.1, NM_001393365.1); short protein forms K149R.
Identifiers: ClinVar variation 344807 (VCV000344807.19), dbSNP rs201564256, ClinGen allele CA2300276.